The following is an entry in ClinVar:

ClinVar aggregate classification (germline): Likely pathogenic (1 of 4 stars; one submission).

Submission:

GeneDx
Classification: Likely pathogenic. Last evaluated: 2021-02-09. Review status: criteria provided, single submitter. Criteria: GeneDx Variant Classification Process June 2021. Collection method: clinical testing. Allele origin: germline. Affected: yes.
Comment: Not observed in large population cohorts (Lek et al., 2016); In silico analysis supports that this missense variant does not alter protein structure/function; Has not been previously published as pathogenic or benign to our knowledge

NM_001375380.1(EBF3):c.716A>G (p.Lys239Arg)

Gene: EBF3 (EBF transcription factor 3; minus strand). Cytogenetic location: 10q26.3.
Variant type: single nucleotide variant.
Coding change: c.716A>G on transcript NM_001375380.1 (MANE Select); coding-DNA position 716, A replaced by G.
Protein change: p.Lys239Arg; replaces lysine 239 with arginine.
Molecular consequence: missense variant.
Genome position (GRCh38, 1-based): chr10:129,873,517, T>C on the plus strand (A>G on the coding strand, the complement: EBF3 is on the minus strand). VCF-style: chr10-129873517-T-C. GRCh37 (hg19) VCF-style: chr10-131671781-T-C.
Other names: c.716A>G, p.Lys239Arg (NM_001005463.3, NM_001375379.1, NM_001375389.1 and 3 more transcripts); short protein forms K239R.
Identifiers: ClinVar variation 452012 (VCV000452012.3), dbSNP rs1554902885, ClinGen allele CA378909722.